The following is an entry in ClinVar:

NM_080680.3(COL11A2):c.3439G>A (p.Gly1147Arg)

Gene: COL11A2 (collagen type XI alpha 2 chain; minus strand). Cytogenetic location: 6p21.32.
Variant type: single nucleotide variant.
Coding change: c.3439G>A on transcript NM_080680.3 (MANE Select); coding-DNA position 3439, G replaced by A.
Protein change: p.Gly1147Arg; replaces glycine 1147 with arginine.
Molecular consequence: missense variant.
Genome position (GRCh38, 1-based): chr6:33,170,845, C>T on the plus strand (G>A on the coding strand, the complement: COL11A2 is on the minus strand). VCF-style: chr6-33170845-C-T. GRCh37 (hg19) VCF-style: chr6-33138622-C-T.
Other names: c.3118G>A, p.Gly1040Arg (NM_080679.3); c.3181G>A, p.Gly1061Arg (NM_080681.3); short protein forms G1147R, G1061R, G1040R.
Identifiers: ClinVar variation 1504859 (VCV001504859.9), dbSNP rs2150542965, ClinGen allele CA363631282.

ClinVar aggregate classification (germline): Uncertain significance. Review status: criteria provided, multiple submitters, no conflicts (2 of 4 stars). 2 submissions from 2 submitters: Uncertain significance (2). Last evaluated 2026-03-10.

Submissions (2):

Women's Health and Genetics/Laboratory Corporation of America, LabCorp
Classification: Uncertain significance. Last evaluated: 2026-03-10. Review status: criteria provided, single submitter. Criteria: LabCorp Variant Classification Summary - May 2015. Collection method: clinical testing. Allele origin: germline.
Comment: Variant summary: COL11A2 c.3439G>A (p.Gly1147Arg) results in a non-conservative amino acid change in the encoded protein sequence. Algorithms developed to predict the effect of missense changes on protein structure and function all suggest that this variant is likely to be disruptive. The variant was absent in 246392 control chromosomes. The available data on variant occurrences in the general population are insufficient to allow any conclusion about variant significance. To our knowledge, no occurrence of c.3439G>A in individuals affected with COL11A2-related conditions and no experimental evidence demonstrating its impact on protein function have been reported. ClinVar contains an entry for this variant (Variation ID: 1504859). Based on the evidence outlined above, the variant was classified as uncertain significance.

Labcorp Genetics (formerly Invitae), Labcorp
Classification: Uncertain significance. Last evaluated: 2024-10-16. Review status: criteria provided, single submitter. Criteria: Invitae Variant Classification Sherloc (09022015). Collection method: clinical testing. Allele origin: germline.
Comment: This sequence change replaces glycine, which is neutral and non-polar, with arginine, which is basic and polar, at codon 1147 of the COL11A2 protein (p.Gly1147Arg). This variant is not present in population databases (gnomAD no frequency). This variant has not been reported in the literature in individuals affected with COL11A2-related conditions. ClinVar contains an entry for this variant (Variation ID: 1504859). Invitae Evidence Modeling of protein sequence and biophysical properties (such as structural, functional, and spatial information, amino acid conservation, physicochemical variation, residue mobility, and thermodynamic stability) indicates that this missense variant is expected to disrupt COL11A2 protein function with a positive predictive value of 95%. In summary, the available evidence is currently insufficient to determine the role of this variant in disease. Therefore, it has been classified as a Variant of Uncertain Significance.